The following is an entry in ClinVar:

ClinVar aggregate classification (germline): Uncertain significance. Review status: criteria provided, multiple submitters, no conflicts (2 of 4 stars). 2 submissions from 2 submitters: Uncertain significance (2). Last evaluated 2026-01-11.

Conditions:
Erythrocytosis, familial, 3 (ECYT3). Identifiers: Orphanet 247511, MedGen C1853286, MONDO:0012353, OMIM 609820.

Allele frequency attached by ClinVar (database versions not stated): gnomAD 0.00001; TOPMed 0.00001; gnomAD exomes 0.00002.
gnomAD v4.1: 25 of 1,421,578 alleles (0.0018%); highest among the groups gnomAD compares: Admixed American, 0.0027%; no homozygotes.

Submissions (2):

Labcorp Genetics (formerly Invitae), Labcorp
Classification: Uncertain significance for Erythrocytosis, familial, 3. Last evaluated: 2026-01-11. Review status: criteria provided, single submitter. Criteria: Invitae Variant Classification Sherloc (09022015). Collection method: clinical testing. Allele origin: germline.
Comment: This sequence change replaces arginine, which is basic and polar, with serine, which is neutral and polar, at codon 87 of the EGLN1 protein (p.Arg87Ser). This variant is present in population databases (no rsID available, gnomAD 0.007%). This variant has not been reported in the literature in individuals affected with EGLN1-related conditions. ClinVar contains an entry for this variant (Variation ID: 949559). An algorithm developed to predict the effect of missense changes on protein structure and function outputs the following: PolyPhen-2: "Benign". The serine amino acid residue is found in multiple mammalian species, which suggests that this missense change does not adversely affect protein function. In summary, the available evidence is currently insufficient to determine the role of this variant in disease. Therefore, it has been classified as a Variant of Uncertain Significance.

Ambry Genetics
Classification: Uncertain significance. Last evaluated: 2025-07-22. Review status: criteria provided, single submitter. Criteria: Ambry Variant Classification Scheme 2023. Collection method: clinical testing. Allele origin: germline.
Comment: The p.R87S variant (also known as c.261G>C), located in coding exon 1 of the EGLN1 gene, results from a G to C substitution at nucleotide position 261. The arginine at codon 87 is replaced by serine, an amino acid with dissimilar properties. This amino acid position is conserved. In addition, this alteration is predicted to be tolerated by in silico analysis. Since supporting evidence is limited at this time, the clinical significance of this alteration remains unclear.

NM_022051.3(EGLN1):c.261G>C (p.Arg87Ser)

Gene: EGLN1 (egl-9 family hypoxia inducible factor 1; minus strand). Cytogenetic location: 1q42.2.
Variant type: single nucleotide variant.
Coding change: c.261G>C on transcript NM_022051.3 (MANE Select); coding-DNA position 261, G replaced by C.
Protein change: p.Arg87Ser; replaces arginine 87 with serine.
Molecular consequence: missense variant.
Genome position (GRCh38, 1-based): chr1:231,421,628, C>G on the plus strand (G>C on the coding strand, the complement: EGLN1 is on the minus strand). VCF-style: chr1-231421628-C-G. GRCh37 (hg19) VCF-style: chr1-231557374-C-G.
Other names: c.261G>C, p.Arg87Ser (NM_001377260.1, NM_001377261.1); short protein forms R87S.
Identifiers: ClinVar variation 949559 (VCV000949559.10), dbSNP rs1024909187, ClinGen allele CA38948951.